The following is an entry in ClinVar:

NM_004525.3(LRP2):c.230A>T (p.Glu77Val)

Gene: LRP2 (LDL receptor related protein 2; minus strand). Cytogenetic location: 2q31.1.
Variant type: single nucleotide variant.
Coding change: c.230A>T on transcript NM_004525.3 (MANE Select); coding-DNA position 230, A replaced by T.
Protein change: p.Glu77Val; replaces glutamic acid 77 with valine.
Molecular consequence: missense variant.
Genome position (GRCh38, 1-based): chr2:169,318,842, T>A on the plus strand (A>T on the coding strand, the complement: LRP2 is on the minus strand). VCF-style: chr2-169318842-T-A. GRCh37 (hg19) VCF-style: chr2-170175352-T-A.
Other names: c.230A>T (NM_004525.2); short protein forms E77V.
Identifiers: ClinVar variation 1572244 (VCV001572244.12), dbSNP rs200113428, ClinGen allele CA1955952.
Genomic context (GRCh38, chr2:169,318,842, plus strand): 5'-GAGCCATCATCACAGTCTTGATCTTGGTCACACACCCAGGAGTTGGGGATGCATTGTCCC[T>A]CACTCTGGCACTTGAAATAGCCCTGCTGGCAGGTCACAACAGCTAAAACAAACCAAAAGA-3'
Protein context (NP_004516.2, residues 67-87): CQQGYFKCQS[Glu77Val]GQCIPNSWVC

ClinVar aggregate classification (germline): Conflicting classifications of pathogenicity. Review status: criteria provided, conflicting classifications (1 of 4 stars). 4 submissions from 4 submitters: Uncertain significance (2); Likely benign (2). Last evaluated 2025-12-22.

Conditions:
Donnai-Barrow syndrome. Also called: DBS/FOAR SYNDROME; FACIOOCULOACOUSTICORENAL SYNDROME. Identifiers: Orphanet 2143, MedGen C1857277, MONDO:0009104, OMIM 222448.
LRP2-related disorder. Also called: LRP2-related condition.

Allele frequency attached by ClinVar (database versions not stated): gnomAD exomes 0.00002 and 0.00005; ExAC 0.00008; 1000 Genomes Project 30x 0.00016; 1000 Genomes Project 0.00020; gnomAD 0.00021; TOPMed 0.00030; ESP Exome Variant Server 0.00031.
gnomAD v4.1: 67 of 1,614,140 alleles (0.0042%); highest among the groups gnomAD compares: African/African-American, 0.087%; 1 homozygote.

Submissions (4):

Labcorp Genetics (formerly Invitae), Labcorp
Classification: Likely benign. Last evaluated: 2025-12-22. Review status: criteria provided, single submitter. Criteria: Invitae Variant Classification Sherloc (09022015). Collection method: clinical testing. Allele origin: germline.

GeneDx
Classification: Uncertain significance. Last evaluated: 2025-07-09. Review status: criteria provided, single submitter. Criteria: GeneDx Variant Classification Process June 2021. Collection method: clinical testing. Allele origin: germline.
Comment: In silico analysis supports that this missense variant has a deleterious effect on protein structure/function; Has not been previously published as pathogenic or benign to our knowledge

PreventionGenetics, part of Exact Sciences
Classification: Uncertain significance for LRP2-related condition. Last evaluated: 2025-05-28. Review status: criteria provided, single submitter. Criteria: ACMG Guidelines, 2015. Collection method: clinical testing. Allele origin: germline.
Comment: The LRP2 c.230A>T variant is predicted to result in the amino acid substitution p.Glu77Val. To our knowledge, this variant has not been reported in the literature. This variant is reported in 0.084% of alleles in individuals of African descent in gnomAD. Although we suspect that this variant may be benign, at this time, the clinical significance of this variant is uncertain due to the absence of conclusive functional and genetic evidence.

Fulgent Genetics
Classification: Likely benign for Donnai-Barrow syndrome. Last evaluated: 2024-04-18. Review status: criteria provided, single submitter. Criteria: ACMG Guidelines, 2015. Collection method: clinical testing. Allele origin: germline.